The following is an entry in ClinVar:

NM_020975.6(RET):c.160C>T (p.His54Tyr)

Gene: RET (ret proto-oncogene; plus strand). Cytogenetic location: 10q11.21.
Variant type: single nucleotide variant.
Coding change: c.160C>T on transcript NM_020975.6 (MANE Select); coding-DNA position 160, C replaced by T.
Protein change: p.His54Tyr; replaces histidine 54 with tyrosine.
Molecular consequence: missense variant.
Genome position (GRCh38, 1-based): chr10:43,100,545, C>T. VCF-style: chr10-43100545-C-T. GRCh37 (hg19) VCF-style: chr10-43595993-C-T.
Other names: c.160C>T, p.His54Tyr (NM_000323.2, NM_001406743.1, NM_001406744.1 and 34 more transcripts); short protein forms H54Y.
Identifiers: ClinVar variation 1056765 (VCV001056765.11), dbSNP rs2132659466, ClinGen allele CA376770219.

ClinVar aggregate classification (germline): Uncertain significance. Review status: criteria provided, multiple submitters, no conflicts (2 of 4 stars). 2 submissions from 2 submitters: Uncertain significance (2). Last evaluated 2024-10-11.

Conditions:
Hereditary cancer-predisposing syndrome. Also called: Hereditary Cancer Syndrome; Tumor predisposition; Hereditary neoplastic syndrome; Neoplastic Syndromes, Hereditary. Identifiers: Orphanet 140162, MedGen C0027672, MeSH D009386, MONDO:0015356.
Multiple endocrine neoplasia, type 2 (MEN2). Identifiers: Orphanet 653, MedGen C4048306, MONDO:0019003. Disease mechanism: gain of function.

Submissions (2):

Ambry Genetics
Classification: Uncertain significance for Hereditary cancer-predisposing syndrome. Last evaluated: 2024-10-11. Review status: criteria provided, single submitter. Criteria: Ambry Variant Classification Scheme 2023. Collection method: clinical testing. Allele origin: germline.
Comment: The p.H54Y variant (also known as c.160C>T), located in coding exon 2 of the RET gene, results from a C to T substitution at nucleotide position 160. The histidine at codon 54 is replaced by tyrosine, an amino acid with similar properties. This amino acid position is conserved. In addition, the in silico prediction for this alteration is inconclusive. Based on the available evidence, the clinical significance of this variant remains unclear.

Labcorp Genetics (formerly Invitae), Labcorp
Classification: Uncertain significance for Multiple endocrine neoplasia, type 2. Last evaluated: 2024-08-05. Review status: criteria provided, single submitter. Criteria: Invitae Variant Classification Sherloc (09022015). Collection method: clinical testing. Allele origin: germline.
Comment: This sequence change replaces histidine, which is basic and polar, with tyrosine, which is neutral and polar, at codon 54 of the RET protein (p.His54Tyr). This variant is not present in population databases (gnomAD no frequency). This variant has not been reported in the literature in individuals affected with RET-related conditions. ClinVar contains an entry for this variant (Variation ID: 1056765). An algorithm developed to predict the effect of missense changes on protein structure and function (PolyPhen-2) suggests that this variant is likely to be disruptive. In summary, the available evidence is currently insufficient to determine the role of this variant in disease. Therefore, it has been classified as a Variant of Uncertain Significance.